The following is an entry in ClinVar:

ClinVar aggregate classification (germline): Uncertain significance (1 of 4 stars; one submission).

Submission:

Ambry Genetics
Classification: Uncertain significance. Last evaluated: 2025-01-25. Review status: criteria provided, single submitter. Criteria: Ambry Variant Classification Scheme 2023. Collection method: clinical testing. Allele origin: germline.
Comment: The p.T575I variant (also known as c.1724C>T), located in coding exon 8 of the ATRIP gene, results from a C to T substitution at nucleotide position 1724. The threonine at codon 575 is replaced by isoleucine, an amino acid with similar properties. This amino acid position is conserved. In addition, this alteration is predicted to be tolerated by in silico analysis. Based on the available evidence, the clinical significance of this variant remains unclear.

NM_130384.3(ATRIP):c.1724C>T (p.Thr575Ile)

Genes: ATRIP (ATR interacting protein; plus strand), ATRIP-TREX1 (ATRIP-TREX1 readthrough; plus strand). Cytogenetic location: 3p21.31.
Variant type: single nucleotide variant.
Coding change: c.1724C>T on transcript NM_130384.3 (MANE Select); coding-DNA position 1724, C replaced by T.
Protein change: p.Thr575Ile; replaces threonine 575 with isoleucine.
Molecular consequence: missense variant. On other transcripts: non-coding transcript variant (1).
Genome position (GRCh38, 1-based): chr3:48,460,778, C>T. VCF-style: chr3-48460778-C-T. GRCh37 (hg19) VCF-style: chr3-48502177-C-T.
Other names: c.1343C>T, p.Thr448Ile (NM_001271022.2); c.1445C>T, p.Thr482Ile (NM_001271023.2); c.1724C>T, p.Thr575Ile (NM_032166.4); short protein forms T482I, T575I, T448I.
Identifiers: ClinVar variation 3810112 (VCV003810112.1).